The following is an entry in ClinVar:

NM_000222.3(KIT):c.1158A>T (p.Glu386Asp)

Gene: KIT (KIT proto-oncogene, receptor tyrosine kinase; plus strand). Cytogenetic location: 4q12.
Variant type: single nucleotide variant.
Coding change: c.1158A>T on transcript NM_000222.3 (MANE Select); coding-DNA position 1158, A replaced by T.
Protein change: p.Glu386Asp; replaces glutamic acid 386 with aspartic acid.
Molecular consequence: missense variant.
Genome position (GRCh38, 1-based): chr4:54,709,466, A>T. VCF-style: chr4-54709466-A-T. GRCh37 (hg19) VCF-style: chr4-55575632-A-T.
Other names: c.1158A>T, p.Glu386Asp (NM_001093772.2, NM_001385285.1, NM_001385286.1); c.1161A>T, p.Glu387Asp (NM_001385284.1, NM_001385288.1, NM_001385290.1 and 1 more transcripts); short protein forms E386D, E387D.
Identifiers: ClinVar variation 3230648 (VCV003230648.1), dbSNP rs2475486142, ClinGen allele CA356902249.

ClinVar aggregate classification (germline): Uncertain significance (1 of 4 stars; one submission).

Conditions:
Hereditary cancer-predisposing syndrome. Also called: Neoplastic Syndromes, Hereditary; Tumor predisposition; Hereditary neoplastic syndrome; Hereditary Cancer Syndrome. Identifiers: Orphanet 140162, MedGen C0027672, MeSH D009386, MONDO:0015356.

Allele frequency attached by ClinVar (database versions not stated): gnomAD exomes below 0.00001.
gnomAD v4.1: 1 of 1,613,974 alleles (0.000062%); highest among the groups gnomAD compares: Non-Finnish European, 0.000085%; no homozygotes.

Submission:

Ambry Genetics
Classification: Uncertain significance for Hereditary cancer-predisposing syndrome. Last evaluated: 2024-02-06. Review status: criteria provided, single submitter. Criteria: Ambry Variant Classification Scheme 2023. Collection method: clinical testing. Allele origin: germline.
Comment: The p.E386D variant (also known as c.1158A>T), located in coding exon 7 of the KIT gene, results from an A to T substitution at nucleotide position 1158. The glutamic acid at codon 386 is replaced by aspartic acid, an amino acid with highly similar properties. This amino acid position is conserved. In addition, this alteration is predicted to be tolerated by in silico analysis. Based on the available evidence, the clinical significance of this alteration remains unclear.